The following is an entry in ClinVar:

ClinVar aggregate classification (germline): Uncertain significance (1 of 4 stars; one submission).

Conditions:
Hereditary pancreatitis (PCTT). Also called: Hereditary chronic pancreatitis; PRSS1-Related Hereditary Pancreatitis. Identifiers: Orphanet 676, MedGen C0238339, MONDO:0008185, OMIM 167800.

gnomAD v4.1: 1 of 1,614,060 alleles (0.000062%); no homozygotes.

Submission:

Ambry Genetics
Classification: Uncertain significance for Hereditary pancreatitis. Last evaluated: 2026-01-18. Review status: criteria provided, single submitter. Criteria: Ambry Variant Classification Scheme 2023. Collection method: clinical testing. Allele origin: germline.
Comment: The p.L128Q variant (also known as c.383T>A), located in coding exon 3 of the PRSS1 gene, results from a T to A substitution at nucleotide position 383. The leucine at codon 128 is replaced by glutamine, an amino acid with dissimilar properties. This amino acid position is conserved. In addition, this alteration is predicted to be deleterious by in silico analysis. Based on the available evidence, the clinical significance of this variant remains unclear.

NM_002769.5(PRSS1):c.383T>A (p.Leu128Gln)

Genes: PRSS1 (serine protease 1; plus strand), TRB (T cell receptor beta locus; plus strand). Cytogenetic location: 7q34.
Variant type: single nucleotide variant.
Coding change: c.383T>A on transcript NM_002769.5 (MANE Select); coding-DNA position 383, T replaced by A.
Protein change: p.Leu128Gln; replaces leucine 128 with glutamine.
Molecular consequence: missense variant. On other transcripts: non-coding transcript variant (5).
Genome position (GRCh38, 1-based): chr7:142,751,956, T>A. VCF-style: chr7-142751956-T-A. GRCh37 (hg19) VCF-style: chr7-142459807-T-A.
Other names: short protein forms L128Q.
Identifiers: ClinVar variation 4844407 (VCV004844407.1).